The following is an entry in ClinVar:

ClinVar aggregate classification (germline): Pathogenic/Likely pathogenic. Review status: criteria provided, multiple submitters, no conflicts (2 of 4 stars). 4 submissions from 4 submitters: Pathogenic (2); Likely pathogenic (1). 1 of the submissions does not count toward it. Last evaluated 2016-10-07.

Conditions:
MEHMO syndrome (MEHMO). Also called: MENTAL RETARDATION, X-LINKED, SYNDROMIC 20; MENTAL RETARDATION, X-LINKED, SYNDROMIC 25; Mental retardation, X-linked, syndromic, Borck type. Identifiers: Orphanet 85282, MedGen C1846278, MONDO:0010258, OMIM 300148.

Submissions (4):

Institute of Experimental Endocrinology, Slovak Academy of Sciences
Classification: Pathogenic for MEHMO syndrome. Last evaluated: 2016-10-07. Review status: criteria provided, single submitter. Criteria: ACMG Guidelines, 2015. Collection method: clinical testing. Allele origin: maternal. Inheritance: X-linked recessive inheritance. Affected: yes. Observed: 3 variant alleles, 3 hemizygotes. Clinical features observed: Microcephaly, Seizure, Hypogonadism, Intellectual disability, Obesity, Diabetes mellitus.
Comment: found in 3 independent MEHMO patients, not found in ExAC, functional study confirms effect on eIF2 function

GeneDx
Classification: Likely pathogenic. Last evaluated: 2016-09-30. Review status: criteria provided, single submitter. Criteria: GeneDx Variant Classification (06012015). Collection method: clinical testing. Allele origin: germline. Affected: yes.
Comment: The c.1394_1397delTCAA variant in the EIF2S3 gene has been reported previously in a family segregating a form of syndromic X-linked intellectual disability characterized by neonatal hypoglycemia, severe microcephaly, developmental delay, micropenis, epileptic seizures and early death (Moortgat et al., 2016). In this family, the c.1394_1397delTCAA variant was present in three obligate carrier female relatives and absent in three healthy male relatives, however, no affected male relatives were available for testing (Moorgat et al., 2016). The c.1394_1397delTCAA variant causes a frameshift starting with codon Isoleucine 465, changes this amino acid to a Serine residue, and creates a premature Stop codon at position 4 of the new reading frame, denoted p.Ile465SerfsX4. This variant is predicted to cause loss of normal protein function through protein truncation. The c.1394_1397delTCAA variant was not observed in approximately 6500 individuals of European and African American ancestry in the NHLBI Exome Sequencing Project, indicating it is not a common benign variant in these populations. Therefore, we interpret c.1394_1397delTCAA variant as a likely pathogenic variant.

Clinical Genetics and Genomics, Karolinska University Hospital
Classification: Pathogenic. Last evaluated: 2016-05-20. Review status: criteria provided, single submitter. Criteria: ACMG Guidelines, 2015. Collection method: clinical testing. Allele origin: germline. Affected: yes. Observed: 2 variant alleles.

OMIM
Classification: Pathogenic for MEHMO SYNDROME. Last evaluated: 2018-01-18. Review status: no assertion criteria provided. Collection method: literature only. Allele origin: germline. Not counted in ClinVar's aggregate classification.

Literature cited by the submitters: PubMed 28055140 (cited by Institute of Experimental Endocrinology, Slovak Academy of Sciences); PubMed 27333055 (cited by OMIM).

NM_001415.4(EIF2S3):c.1394_1397del (p.Ile465fs)

Gene: EIF2S3 (eukaryotic translation initiation factor 2 subunit gamma; plus strand). Cytogenetic location: Xp22.11.
Variant type: Deletion.
Coding change: c.1394_1397del on transcript NM_001415.4 (MANE Select); coding-DNA positions 1394 to 1397, 4 bases deleted (TCAA; older notation c.1394_1397delTCAA).
Protein change: p.Ile465fs; shifts the reading frame from isoleucine 465.
Molecular consequence: frameshift variant.
Genome position (GRCh38, 1-based): chrX:24,076,760-24,076,763, TCAA deleted; deleting any 4 consecutive bases within chrX:24,076,757-24,076,763 gives the same sequence; the c. name uses the placement nearest the transcript's 3' end. VCF-style (leftmost placement, unchanged base first): chrX-24076756-ACAAT-A. GRCh37 (hg19) VCF-style: chrX-24094873-ACAAT-A.
Other names: short protein forms I465fs.
Identifiers: ClinVar variation 265789 (VCV000265789.5), dbSNP rs886040857, ClinGen allele CA10588829.